The following is an entry in ClinVar:

NM_000219.6(KCNE1):c.31C>T (p.Pro11Ser)

Gene: KCNE1 (potassium voltage-gated channel subfamily E regulatory subunit 1; minus strand). Cytogenetic location: 21q22.12.
Variant type: single nucleotide variant.
Coding change: c.31C>T on transcript NM_000219.6 (MANE Select); coding-DNA position 31, C replaced by T.
Protein change: p.Pro11Ser; replaces proline 11 with serine.
Molecular consequence: missense variant.
Genome position (GRCh38, 1-based): chr21:34,449,604, G>A on the plus strand (C>T on the coding strand, the complement: KCNE1 is on the minus strand). VCF-style: chr21-34449604-G-A. GRCh37 (hg19) VCF-style: chr21-35821902-G-A.
Other names: c.31C>T, p.Pro11Ser (NM_001127668.4, NM_001127669.4, NM_001127670.4 and 4 more transcripts); short protein forms P11S.
Identifiers: ClinVar variation 3374624 (VCV003374624.2).

Conditions:
Long QT syndrome 5 (LQT5). Identifiers: Orphanet 101016, Orphanet 768, MedGen C1867904, MONDO:0013372, OMIM 613695.

Submission:

Roden Lab, Vanderbilt University Medical Center
No classification provided (evidence only). Condition: Long QT syndrome 5. Review status: no classification provided. Collection method: in vitro. Allele origin: not applicable. Functional consequence: Effect on ion channel function.
ClinVar note: "not provided" was previously submitted as the classification for the variant. However, the classification appeared to be based only on an observation of functional data so it was converted to no classification on 2025-07-30.